The following is an entry in ClinVar:

ClinVar aggregate classification (germline): Uncertain significance. Review status: criteria provided, multiple submitters, no conflicts (2 of 4 stars). 2 submissions from 2 submitters: Uncertain significance (2). Last evaluated 2025-03-10.

Conditions:
Arrhythmogenic cardiomyopathy with wooly hair and keratoderma. Also called: PALMOPLANTAR KERATODERMA WITH LEFT VENTRICULAR CARDIOMYOPATHY AND WOOLLY HAIR; Carvajal syndrome; Dilated cardiomyopathy with woolly hair and keratoderma; Arrhythmogenic cardiomyopathy with woolly hair and keratoderma. Identifiers: Orphanet 65282, MedGen C1854063, MONDO:0011581, OMIM 605676.
Arrhythmogenic right ventricular dysplasia 8 (ARVD8). Also called: ARRHYTHMOGENIC RIGHT VENTRICULAR CARDIOMYOPATHY 8; ARRHYTHMOGENIC RIGHT VENTRICULAR DYSPLASIA, FAMILIAL, 8; Arrhythmogenic Right Ventricular Dysplasia/Cardiomyopathy 8. Identifiers: MedGen C1843896, MONDO:0011831, OMIM 607450.

Allele frequency attached by ClinVar (database versions not stated): gnomAD exomes below 0.00001.
gnomAD v4.1: 3 of 1,613,176 alleles (0.00019%); highest among the groups gnomAD compares: East Asian, 0.0022%; no homozygotes.

Submissions (2):

Labcorp Genetics (formerly Invitae), Labcorp
Classification: Uncertain significance for Arrhythmogenic cardiomyopathy with wooly hair and keratoderma; Arrhythmogenic right ventricular dysplasia 8. Last evaluated: 2025-03-10. Review status: criteria provided, single submitter. Criteria: Invitae Variant Classification Sherloc (09022015). Collection method: clinical testing. Allele origin: germline.
Comment: This sequence change replaces alanine, which is neutral and non-polar, with threonine, which is neutral and polar, at codon 1791 of the DSP protein (p.Ala1791Thr). This variant is not present in population databases (gnomAD no frequency). This variant has not been reported in the literature in individuals affected with DSP-related conditions. ClinVar contains an entry for this variant (Variation ID: 1413351). An algorithm developed to predict the effect of missense changes on protein structure and function (PolyPhen-2) suggests that this variant is likely to be disruptive. In summary, the available evidence is currently insufficient to determine the role of this variant in disease. Therefore, it has been classified as a Variant of Uncertain Significance.

All of Us Research Program, National Institutes of Health
Classification: Uncertain significance for Arrhythmogenic cardiomyopathy with wooly hair and keratoderma. Last evaluated: 2023-04-03. Review status: criteria provided, single submitter. Criteria: ACMG Guidelines, 2015. Collection method: clinical testing. Allele origin: germline. Inheritance: Autosomal dominant inheritance. Observed: 1 variant allele, 1 heterozygote.
Comment: This missense variant replaces alanine with threonine at codon 1791 of the DSP protein. Computational prediction suggests that this variant may not impact protein structure and function (internally defined REVEL score threshold <= 0.5, PMID: 27666373). To our knowledge, functional studies have not been reported for this variant. This variant has not been reported in individuals affected with DSP-related disorders in the literature. This variant has not been identified in the general population by the Genome Aggregation Database (gnomAD). The available evidence is insufficient to determine the role of this variant in disease conclusively. Therefore, this variant is classified as a Variant of Uncertain Significance.

This study involves interpretation of variants in research participants for the purpose of population health screening. Participant phenotype was not available at the time of variant classification. Additional details can be found in publication PMID: 35346344, PMCID: PMC8962531

NM_004415.4(DSP):c.5371G>A (p.Ala1791Thr)

Gene: DSP (desmoplakin; plus strand). Cytogenetic location: 6p24.3.
Variant type: single nucleotide variant.
Coding change: c.5371G>A on transcript NM_004415.4 (MANE Select); coding-DNA position 5371, G replaced by A.
Protein change: p.Ala1791Thr; replaces alanine 1791 with threonine.
Molecular consequence: missense variant. On other transcripts: intron variant (2).
Genome position (GRCh38, 1-based): chr6:7,581,561, G>A. VCF-style: chr6-7581561-G-A. GRCh37 (hg19) VCF-style: chr6-7581794-G-A.
Other names: c.4051-1081G>A (NM_001319034.2); c.3583-1081G>A (NM_001008844.3); short protein forms A1791T.
Identifiers: ClinVar variation 1413351 (VCV001413351.6), dbSNP rs2113696199, ClinGen allele CA362688461.